The following is an entry in ClinVar:

NM_000553.6(WRN):c.2959C>T (p.Arg987Ter)

Gene: WRN (WRN RecQ like helicase; plus strand). Cytogenetic location: 8p12.
Variant type: single nucleotide variant.
Coding change: c.2959C>T on transcript NM_000553.6 (MANE Select); coding-DNA position 2959, C replaced by T.
Protein change: p.Arg987Ter; replaces arginine 987 with a stop codon.
Molecular consequence: nonsense.
Genome position (GRCh38, 1-based): chr8:31,132,498, C>T. VCF-style: chr8-31132498-C-T. GRCh37 (hg19) VCF-style: chr8-30990014-C-T.
Other names: short protein forms R987*.
Identifiers: ClinVar variation 362809 (VCV000362809.37), dbSNP rs747319628, ClinGen allele CA4704889.
Genomic context (GRCh38, chr8:31,132,498, plus strand): 5'-TTGTCTGCTGTGGACATCTTAGGCGAAAAATTTGGAATTGGGCTTCCAATTTTATTTCTC[C>T]GAGGATCTGTAAGTATATATCTGTGAATTCCCTTCATAGATCTTCTTTTACTTCTATTAC-3'

ClinVar aggregate classification (germline): Pathogenic/Likely pathogenic. Review status: criteria provided, multiple submitters, no conflicts (2 of 4 stars). 4 submissions from 4 submitters: Pathogenic (3); Likely pathogenic (1). Last evaluated 2026-01-24.

Conditions:
Werner syndrome (WRN). Identifiers: Orphanet 902, MedGen C0043119, MONDO:0010196, OMIM 277700.

Allele frequency attached by ClinVar (database versions not stated): gnomAD exomes 0.00001 and 0.00002; ExAC 0.00002; TOPMed 0.00002; gnomAD 0.00003.
gnomAD v4.1: 20 of 1,613,902 alleles (0.0012%); highest among the groups gnomAD compares: African/African-American, 0.0053%; no homozygotes.

Submissions (4):

Labcorp Genetics (formerly Invitae), Labcorp
Classification: Pathogenic for Werner syndrome. Last evaluated: 2026-01-24. Review status: criteria provided, single submitter. Criteria: Invitae Variant Classification Sherloc (09022015). Collection method: clinical testing. Allele origin: germline.
Comment: This sequence change creates a premature translational stop signal (p.Arg987*) in the WRN gene. It is expected to result in an absent or disrupted protein product. Loss-of-function variants in WRN are known to be pathogenic (PMID: 16673358). This variant is present in population databases (rs747319628, gnomAD 0.008%). This premature translational stop signal has been observed in individual(s) with Werner syndrome (PMID: 16673358, 22188495). ClinVar contains an entry for this variant (Variation ID: 362809). For these reasons, this variant has been classified as Pathogenic.

Baylor Genetics
Classification: Pathogenic for Werner syndrome. Last evaluated: 2024-02-12. Review status: criteria provided, single submitter. Criteria: ACMG Guidelines, 2015. Collection method: clinical testing. Allele origin: unknown.

CeGaT Center for Human Genetics Tuebingen
Classification: Pathogenic. Last evaluated: 2024-01-01. Review status: criteria provided, single submitter. Criteria: CeGaT Center For Human Genetics Tuebingen Variant Classification Criteria Version 2. Collection method: clinical testing. Allele origin: germline. Affected: yes. Observed: 1 variant allele.
Comment: WRN: PVS1, PM2, PM3, PS3:Supporting

Illumina Laboratory Services, Illumina
Classification: Likely pathogenic for Werner syndrome. Last evaluated: 2017-04-27. Review status: criteria provided, single submitter. Criteria: ICSL Variant Classification Criteria 09 May 2019. Collection method: clinical testing. Allele origin: germline.
Comment: The WRN c.2959C>T (p.Arg987Ter) variant is a stop-gained variant and has been reported in two individuals with Werner syndrome, including one homozygote with an atypical presentation and one compound heterozygote. The variant was also found in a heterozygous state in two unaffected family members of affected individuals (Huang et al. 2006; Takada-Watanabe et al. 2012). The variant was absent from one healthy control individual, but is reported at a frequency of 0.00002 in the total population of the Exome Aggregation Consortium. Functional studies showed that leukocytes from the homozygous individual expressed the WRN protein at approximately 40% of the level of a healthy control. COS7 cells transfected with the p.Arg987Ter variant protein showed protein localization to the cytoplasm, while the wild type protein localized exclusively to the nucleus (Takada-Watanabe et al. 2012). Based on the evidence, the p.Arg987Ter variant is classified as likely pathogenic for Werner syndrome. This variant was observed by ICSL as part of a predisposition screen in an ostensibly healthy population.

Literature cited by the submitters: PubMed 16673358 (cited by Labcorp Genetics (formerly Invitae), Labcorp and Illumina Laboratory Services, Illumina); PubMed 22188495 (cited by Labcorp Genetics (formerly Invitae), Labcorp and Illumina Laboratory Services, Illumina).